The following is an entry in ClinVar:

ClinVar aggregate classification (germline): Conflicting classifications of pathogenicity. Review status: criteria provided, conflicting classifications (1 of 4 stars). 4 submissions from 4 submitters: Uncertain significance (2); Likely benign (1). 1 of the submissions does not count toward it. Last evaluated 2025-08-25.

Conditions:
Transketolase deficiency. Also called: Short stature, developmental delay, and congenital heart defects. Identifiers: Orphanet 488618, MedGen C5700245, MONDO:0014881, OMIM 617044.
TKT-related disorder. Also called: TKT-related condition.

Allele frequency attached by ClinVar (database versions not stated): 1000 Genomes Project 30x 0.00078; 1000 Genomes Project 0.00080; gnomAD exomes 0.00116; gnomAD 0.00133 and 0.00151; ExAC 0.00139; ESP Exome Variant Server 0.00177.
gnomAD v4.1: 3,042 of 1,613,578 alleles (0.19%); highest among the groups gnomAD compares: Non-Finnish European, 0.23%; 4 homozygotes.

Submissions (4):

Daryl Scott Lab, Baylor College of Medicine
Classification: Uncertain significance for Transketolase deficiency. Last evaluated: 2025-08-25. Review status: criteria provided, single submitter. Criteria: ACMG Guidelines, 2015. Collection method: clinical testing. Allele origin: paternal. Affected: yes. Observed: 1 compound heterozygote.
Comment: BS2

Institute for Clinical Genetics, University Hospital TU Dresden, University Hospital TU Dresden
Classification: Uncertain significance. Last evaluated: 2021-11-03. Review status: criteria provided, single submitter. Criteria: ACMG Guidelines, 2015. Collection method: clinical testing. Allele origin: germline.

Labcorp Genetics (formerly Invitae), Labcorp
Classification: Likely benign. Last evaluated: 2021-10-08. Review status: criteria provided, single submitter. Criteria: Invitae Variant Classification Sherloc (09022015). Collection method: clinical testing. Allele origin: germline.

PreventionGenetics, part of Exact Sciences
Classification: Likely benign for TKT-related condition. Last evaluated: 2020-08-28. Review status: no assertion criteria provided. Collection method: clinical testing. Allele origin: germline. Not counted in ClinVar's aggregate classification.
Comment: This variant is classified as likely benign based on ACMG/AMP sequence variant interpretation guidelines (Richards et al. 2015 PMID: 25741868, with internal and published modifications).

NM_001064.4(TKT):c.1177T>C (p.Phe393Leu)

Gene: TKT (transketolase; minus strand). Cytogenetic location: 3p21.1.
Variant type: single nucleotide variant.
Coding change: c.1177T>C on transcript NM_001064.4 (MANE Select); coding-DNA position 1177, T replaced by C.
Protein change: p.Phe393Leu; replaces phenylalanine 393 with leucine.
Molecular consequence: missense variant. On other transcripts: non-coding transcript variant (1).
Genome position (GRCh38, 1-based): chr3:53,229,367, A>G on the plus strand (T>C on the coding strand, the complement: TKT is on the minus strand). VCF-style: chr3-53229367-A-G. GRCh37 (hg19) VCF-style: chr3-53263383-A-G.
Other names: c.1177T>C, p.Phe393Leu (NM_001135055.3); c.1201T>C, p.Phe401Leu (NM_001258028.2); c.1177T>C (NM_001135055.2); short protein forms F393L, F401L.
Identifiers: ClinVar variation 1319301 (VCV001319301.11), dbSNP rs138820989, ClinGen allele CA2452614.
Genomic context (GRCh38, chr3:53,229,367, plus strand): 5'-AGAGGTTGATGTTGCTCTCGGAGATGGCGGCCATGCGAATCTGGTCAAAGGCCCGCGTGA[A>G]GAAGGCTGCAAAAGTGCTGCAGAAGGGCACCGTCCTGTTGCGGGTGGCACAGCCCACCGC-3'
Protein context (NP_001055.1, residues 383-403): VPFCSTFAAF[Phe393Leu]TRAFDQIRMA